The following is an entry in ClinVar:

NM_000284.4(PDHA1):c.748C>A (p.Pro250Thr)

Gene: PDHA1 (pyruvate dehydrogenase E1 subunit alpha 1; plus strand). Cytogenetic location: Xp22.12.
Variant type: single nucleotide variant.
Coding change: c.748C>A on transcript NM_000284.4 (MANE Select); coding-DNA position 748, C replaced by A.
Protein change: p.Pro250Thr; replaces proline 250 with threonine.
Molecular consequence: missense variant.
Genome position (GRCh38, 1-based): chrX:19,355,493, C>A. VCF-style: chrX-19355493-C-A. GRCh37 (hg19) VCF-style: chrX-19373611-C-A.
Other names: c.748C>A (NM_000284.3); c.862C>A, p.Pro288Thr (NM_001173454.2); c.769C>A, p.Pro257Thr (NM_001173455.2); c.655C>A, p.Pro219Thr (NM_001173456.2); short protein forms P219T, P257T, P288T, P250T.
Identifiers: ClinVar variation 3598206 (VCV003598206.2).

ClinVar aggregate classification (germline): Likely pathogenic. Review status: criteria provided, single submitter (1 of 4 stars). 2 submissions from 2 submitters: Likely pathogenic (1). 1 of the submissions does not count toward it. Last evaluated 2024-05-23.

Conditions:
Pyruvate dehydrogenase E1-alpha deficiency (PDHAD). Also called: ATAXIA, INTERMITTENT, WITH PYRUVATE DEHYDROGENASE DEFICIENCY; ATAXIA WITH LACTIC ACIDOSIS I; ATAXIA, INTERMITTENT, WITH ABNORMAL PYRUVATE METABOLISM; Ataxia, intermittent, with pyruvate dehydrogenase, or decarboxylase, deficiency. Identifiers: Orphanet 79243, MedGen C1839413, MONDO:0010717, OMIM 312170.

Submissions (2):

Fulgent Genetics
Classification: Likely pathogenic for Pyruvate dehydrogenase E1-alpha deficiency. Last evaluated: 2024-05-23. Review status: criteria provided, single submitter. Criteria: ACMG Guidelines, 2015. Collection method: clinical testing. Allele origin: germline.

PDHA1 Study Group, University Children’s Hospital, Paracelsus Medical University
Classification: Pathogenic for Pyruvate dehydrogenase E1-alpha deficiency. Last evaluated: 2024-10-15. Review status: no assertion criteria provided. Collection method: research. Allele origin: de novo. Affected: yes. Observed: 2 variant alleles. Not counted in ClinVar's aggregate classification.
Comment: The NM_000284.3:c.748C>A (p.Pro250Thr) substitution is a missense variant in PDHA1 gene. In total, 2 individuals were diagnosed with PDHA1-related Pyruvate dehydrogenase complex (PDHc) deficiency (MIM #312170). Among them, 1 case had confirmed de novo occurrence. The variant has been reported in 2 published cases (PMIDs: 15384102, 16552546, 21846590). Last literature search: July 12, 2024. This variant is absent or extremely rare in population-based cohorts in the Genome Aggregation Database (gnomAD). Individuals harboring this variant presented with clinical features compatible with PDHA1-related PDHc deficiency. In summary, this variant meets criteria to be classified as pathogenic (P) for PDHA1-related PDHc deficiency based on the ACMG/AMP criteria applied: PS3, PM1, PM2, PM7, PP3 (last assessment October 15, 2024).

Literature cited by the submitters: PubMed 15384102 (cited by PDHA1 Study Group, University Children’s Hospital, Paracelsus Medical University); PubMed 16552546 (cited by PDHA1 Study Group, University Children’s Hospital, Paracelsus Medical University); PubMed 21846590 (cited by PDHA1 Study Group, University Children’s Hospital, Paracelsus Medical University); DOI 10.1093/brain/awaf430 (cited by PDHA1 Study Group, University Children’s Hospital, Paracelsus Medical University).